The following is an entry in ClinVar:

NM_018060.4(IARS2):c.986T>C (p.Leu329Pro)

Gene: IARS2 (isoleucyl-tRNA synthetase 2, mitochondrial; plus strand). Cytogenetic location: 1q41.
Variant type: single nucleotide variant.
Coding change: c.986T>C on transcript NM_018060.4 (MANE Select); coding-DNA position 986, T replaced by C.
Protein change: p.Leu329Pro; replaces leucine 329 with proline.
Molecular consequence: missense variant.
Genome position (GRCh38, 1-based): chr1:220,103,482, T>C. VCF-style: chr1-220103482-T-C. GRCh37 (hg19) VCF-style: chr1-220276824-T-C.
Other names: short protein forms L329P.
Identifiers: ClinVar variation 2501309 (VCV002501309.3), dbSNP rs770082667, ClinGen allele CA1401273.

ClinVar aggregate classification (germline): Conflicting classifications of pathogenicity. Review status: criteria provided, conflicting classifications (1 of 4 stars). 2 submissions from 2 submitters: Likely pathogenic (1); Uncertain significance (1). Last evaluated 2025-10-03.

Allele frequency attached by ClinVar (database versions not stated): ExAC 0.00001; gnomAD 0.00001; TOPMed 0.00001; gnomAD exomes 0.00002.
gnomAD v4.1: 25 of 1,613,128 alleles (0.0015%); highest among the groups gnomAD compares: Non-Finnish European, 0.002%; no homozygotes.

Submissions (2):

Labcorp Genetics (formerly Invitae), Labcorp
Classification: Uncertain significance. Last evaluated: 2025-10-03. Review status: criteria provided, single submitter. Criteria: Invitae Variant Classification Sherloc (09022015). Collection method: clinical testing. Allele origin: germline.
Comment: This sequence change replaces leucine, which is neutral and non-polar, with proline, which is neutral and non-polar, at codon 329 of the IARS2 protein (p.Leu329Pro). This variant is present in population databases (rs770082667, gnomAD 0.002%). This missense change has been observed in individual(s) with IARS2-related condition (PMID: 33327715). In at least one individual the data is consistent with being in trans (on the opposite chromosome) from a pathogenic variant. It has also been observed to segregate with disease in related individuals. ClinVar contains an entry for this variant (Variation ID: 2501309). An algorithm developed to predict the effect of missense changes on protein structure and function (PolyPhen-2) suggests that this variant is likely to be disruptive. In summary, the available evidence is currently insufficient to determine the role of this variant in disease. Therefore, it has been classified as a Variant of Uncertain Significance.

GeneDx
Classification: Likely pathogenic. Last evaluated: 2023-05-01. Review status: criteria provided, single submitter. Criteria: GeneDx Variant Classification Process June 2021. Collection method: clinical testing. Allele origin: germline. Affected: yes.
Comment: Not observed at significant frequency in large population cohorts (gnomAD); In silico analysis supports that this missense variant has a deleterious effect on protein structure/function; This variant is associated with the following publications: (PMID: 33327715)

Literature cited by the submitters: PubMed 33327715 (cited by Labcorp Genetics (formerly Invitae), Labcorp).